The following is an entry in ClinVar:

ClinVar aggregate classification (germline): Likely pathogenic (0 of 4 stars; one submission).

Conditions:
Congenital secretory diarrhea, chloride type (DIAR1). Also called: DIARRHEA 1, SECRETORY CHLORIDE, CONGENITAL; CHLORIDORRHEA, CONGENITAL; CHLORIDE DIARRHEA, CONGENITAL, FINNISH TYPE. Identifiers: Orphanet 53689, MedGen C0267662, MONDO:0008964, OMIM 214700.

Submission:

Juha Muilu Group; Institute for Molecular Medicine Finland (FIMM)
Classification: Likely pathogenic for Congenital secretory diarrhea, chloride type. Review status: no assertion criteria provided. Collection method: not provided. Allele origin: unknown.
Comment: FinDis database variant: This variant was not found or characterized by our laboratory, data were collected from public sources: see reference
ClinVar note: Converted during submission from probable-pathogenic to Likely pathogenic.

NM_000111.3(SLC26A3):c.1403A>T (p.Asp468Val)

Gene: SLC26A3 (solute carrier family 26 member 3; minus strand). Cytogenetic location: 7q22.3.
Variant type: single nucleotide variant.
Coding change: c.1403A>T on transcript NM_000111.3 (MANE Select); coding-DNA position 1403, A replaced by T.
Protein change: p.Asp468Val; replaces aspartic acid 468 with valine.
Molecular consequence: missense variant.
Genome position (GRCh38, 1-based): chr7:107,779,672, T>A on the plus strand (A>T on the coding strand, the complement: SLC26A3 is on the minus strand). VCF-style: chr7-107779672-T-A. GRCh37 (hg19) VCF-style: chr7-107420117-T-A.
Other names: short protein forms D468V.
Identifiers: ClinVar variation 55972 (VCV000055972.2), dbSNP rs386833454, ClinGen allele CA144055.